The following is an entry in ClinVar:

NC_000005.10:g.112707493C>T

Genes: APC (APC regulator of Wnt signaling pathway; plus strand), LOC129994371 (ATAC-STARR-seq lymphoblastoid active region 22910; plus strand). Cytogenetic location: 5q22.2.
Variant type: single nucleotide variant.
Genome position: GRCh38 VCF-style: chr5-112707493-C-T. GRCh37 (hg19) VCF-style: chr5-112043190-C-T.
Identifiers: ClinVar variation 1386176 (VCV001386176.6), dbSNP rs2149629079, ClinGen allele CA2573138772.

ClinVar aggregate classification (germline): Uncertain significance (1 of 4 stars; one submission).

Conditions:
Familial adenomatous polyposis 1 (FAP1). Also called: FAMILIAL ADENOMATOUS POLYPOSIS 1, ATTENUATED; POLYPOSIS, ADENOMATOUS INTESTINAL. Identifiers: MedGen C2713442, MONDO:0021056, OMIM 175100. Disease mechanism: loss of function.

Submission:

Labcorp Genetics (formerly Invitae), Labcorp
Classification: Uncertain significance for Familial adenomatous polyposis 1. Last evaluated: 2021-04-09. Review status: criteria provided, single submitter. Criteria: Invitae Variant Classification Sherloc (09022015). Collection method: clinical testing. Allele origin: germline.
Comment: This variant occurs in a non-coding region of the APC gene. It does not change the encoded amino acid sequence of the APC protein. The frequency data for this variant in the population databases is considered unreliable, as metrics indicate insufficient coverage at this position in the ExAC database. This variant has not been reported in the literature in individuals with APC-related conditions. Experimental studies and prediction algorithms are not available or were not evaluated, and the functional significance of this variant is currently unknown. Algorithms developed to predict the effect of sequence changes on RNA splicing suggest that this variant may create or strengthen a splice site, but this prediction has not been confirmed by published transcriptional studies. In summary, the available evidence is currently insufficient to determine the role of this variant in disease. Therefore, it has been classified as a Variant of Uncertain Significance.